The following is an entry in ClinVar:

NM_001358530.2(MOCS1):c.502C>T (p.Gln168Ter)

Gene: MOCS1 (molybdenum cofactor synthesis 1; minus strand). Cytogenetic location: 6p21.2.
Variant type: single nucleotide variant.
Coding change: c.502C>T on transcript NM_001358530.2 (MANE Select); coding-DNA position 502, C replaced by T.
Protein change: p.Gln168Ter; replaces glutamine 168 with a stop codon.
Molecular consequence: nonsense. On other transcripts: non-coding transcript variant (1).
Genome position (GRCh38, 1-based): chr6:39,916,149, G>A on the plus strand (C>T on the coding strand, the complement: MOCS1 is on the minus strand). VCF-style: chr6-39916149-G-A. GRCh37 (hg19) VCF-style: chr6-39883893-G-A.
Other names: c.502C>T, p.Gln168Ter (NM_001075098.4, NM_001358529.2, NM_005943.6); c.241C>T, p.Gln81Ter (NM_001358531.2, NM_001358533.2, NM_001358534.2); short protein forms Q168*, Q81*.
Identifiers: ClinVar variation 3339319 (VCV003339319.1).

ClinVar aggregate classification (germline): Pathogenic (1 of 4 stars; one submission).

Conditions:
Combined molybdoflavoprotein enzyme deficiency (MOCOD). Also called: Molybdenum cofactor deficiency; Sulfite oxidase deficiency due to molybdenum cofactor deficiency; Combined deficiency of sulfite oxidase, xanthine dehydrogenase, and aldehyde oxidase. Identifiers: Orphanet 833, Orphanet 99732, MedGen C0268119, MONDO:0020480, HP:0003570.

Submission:

Women's Health and Genetics/Laboratory Corporation of America, LabCorp
Classification: Pathogenic for Combined molybdoflavoprotein enzyme deficiency. Last evaluated: 2024-07-31. Review status: criteria provided, single submitter. Criteria: LabCorp Variant Classification Summary - May 2015. Collection method: clinical testing. Allele origin: germline.
Comment: Variant summary: MOCS1 c.502C>T (p.Gln168X) results in a premature termination codon, predicted to cause a truncation of the encoded protein or absence of the protein due to nonsense mediated decay, which are commonly known mechanisms for disease. The variant was absent in 250760 control chromosomes. To our knowledge, no occurrence of c.502C>T in individuals affected with Molybdenum Cofactor Deficiency and no experimental evidence demonstrating its impact on protein function have been reported. No submitters have cited clinical-significance assessments for this variant to ClinVar. Based on the evidence outlined above, the variant was classified as pathogenic.